The following is an entry in ClinVar:

NM_001127222.2(CACNA1A):c.3584C>T (p.Pro1195Leu)

Gene: CACNA1A (calcium voltage-gated channel subunit alpha1 A; minus strand). Cytogenetic location: 19p13.13.
Variant type: single nucleotide variant.
Coding change: c.3584C>T on transcript NM_001127222.2 (MANE Select); coding-DNA position 3584, C replaced by T.
Protein change: p.Pro1195Leu; replaces proline 1195 with leucine.
Molecular consequence: missense variant.
Genome position (GRCh38, 1-based): chr19:13,285,176, G>A on the plus strand (C>T on the coding strand, the complement: CACNA1A is on the minus strand). VCF-style: chr19-13285176-G-A. GRCh37 (hg19) VCF-style: chr19-13395990-G-A.
Other names: c.3596C>T, p.Pro1199Leu (NM_000068.4, NM_023035.3); c.3587C>T, p.Pro1196Leu (NM_001127221.2, NM_001174080.2); short protein forms P1196L, P1199L, P1195L.
Identifiers: ClinVar variation 568259 (VCV000568259.10), dbSNP rs1568493631, ClinGen allele CA404341062.

ClinVar aggregate classification (germline): Uncertain significance. Review status: criteria provided, multiple submitters, no conflicts (2 of 4 stars). 3 submissions from 3 submitters: Uncertain significance (3). Last evaluated 2024-03-12.

Conditions:
Episodic ataxia type 2 (EA2). Also called: ACETAZOLAMIDE-RESPONSIVE HEREDITARY PAROXYSMAL CEREBELLAR ATAXIA; CEREBELLAR ATAXIA, PAROXYSMAL, ACETAZOLAMIDE-RESPONSIVE; CEREBELLOPATHY, HEREDITARY PAROXYSMAL; EPISODIC ATAXIA, NYSTAGMUS-ASSOCIATED; ATAXIA, EPISODIC, WITH NYSTAGMUS; ATAXIA, FAMILIAL PAROXYSMAL. Identifiers: Orphanet 97, MedGen C1720416, MONDO:0007163, OMIM 108500.
Developmental and epileptic encephalopathy, 42 (DEE42A). Also called: DEVELOPMENTAL AND EPILEPTIC ENCEPHALOPATHY 42A; EPILEPTIC ENCEPHALOPATHY, EARLY INFANTILE, 42A; Epileptic encephalopathy, early infantile, 42. Identifiers: MedGen C4310716, MONDO:0014917, OMIM 617106.

Allele frequency attached by ClinVar (database versions not stated): gnomAD exomes below 0.00001.
gnomAD v4.1: 3 of 1,613,662 alleles (0.00019%); highest among the groups gnomAD compares: Non-Finnish European, 0.00017%; no homozygotes.

Submissions (3):

Women's Health and Genetics/Laboratory Corporation of America, LabCorp
Classification: Uncertain significance. Last evaluated: 2024-03-12. Review status: criteria provided, single submitter. Criteria: LabCorp Variant Classification Summary - May 2015. Collection method: clinical testing. Allele origin: germline.
Comment: Variant summary: CACNA1A c.3587C>T (p.Pro1196Leu) results in a non-conservative amino acid change in the encoded protein sequence. Three of five in-silico tools predict a benign effect of the variant on protein function. The frequency data for this variant in gnomAD is considered unreliable, as metrics indicate poor data quality at this position. To our knowledge, no occurrence of c.3587C>T in individuals affected with Epileptic Encephalopathy, Early Infantile, 42 and no experimental evidence demonstrating its impact on protein function have been reported. ClinVar contains an entry for this variant (Variation ID: 568259). Based on the evidence outlined above, the variant was classified as uncertain significance.

Labcorp Genetics (formerly Invitae), Labcorp
Classification: Uncertain significance for Developmental and epileptic encephalopathy, 42; Episodic ataxia type 2. Last evaluated: 2022-03-18. Review status: criteria provided, single submitter. Criteria: Invitae Variant Classification Sherloc (09022015). Collection method: clinical testing. Allele origin: germline.
Comment: ClinVar contains an entry for this variant (Variation ID: 568259). This sequence change replaces proline, which is neutral and non-polar, with leucine, which is neutral and non-polar, at codon 1196 of the CACNA1A protein (p.Pro1196Leu). This variant is not present in population databases (gnomAD no frequency). This variant has not been reported in the literature in individuals affected with CACNA1A-related conditions. Advanced modeling of protein sequence and biophysical properties (such as structural, functional, and spatial information, amino acid conservation, physicochemical variation, residue mobility, and thermodynamic stability) performed at Invitae indicates that this missense variant is not expected to disrupt CACNA1A protein function. In summary, the available evidence is currently insufficient to determine the role of this variant in disease. Therefore, it has been classified as a Variant of Uncertain Significance.

Victorian Clinical Genetics Services, Murdoch Childrens Research Institute
Classification: Uncertain significance for Episodic ataxia type 2. Last evaluated: 2021-05-06. Review status: criteria provided, single submitter. Criteria: ACMG Guidelines, 2015. Collection method: clinical testing. Allele origin: germline. Inheritance: Autosomal dominant inheritance. Affected: yes.
Comment: Based on the classification scheme VCGS_Germline_v1.3.4, this variant is classified as VUS-3B. Following criteria are met: 0103 - Loss of function and gain of function are known mechanisms of disease in this gene and are associated with CACNA1A-related disease. Episodic ataxia, type 2 (MIM#108500) is caused by variants with a loss of function mechanism (PMID: 28566750). (I) 0107 - This gene is associated with autosomal dominant disease. (I) 0112 - The condition associated with this gene has incomplete penetrance. Reduced penetrance has been reported for patients with episodic ataxia, type 2 (OMIM). (I) 0115 - Variants in this gene are known to have variable expressivity. Two families with episodic ataxia, intellectual disability and/or epilepsy have been reported with intrafamilial variability (PMID: 32910250, PMID: 30142438). (I) 0200 - Variant is predicted to result in a missense amino acid change from proline to leucine. (I) 0251 - Variant is heterozygous. (I) 0301 - Variant is absent from gnomAD (both v2 and v3). (SP) 0502 - Missense variant with conflicting in silico predictions and uninformative conservation. (I) 0604 - Variant is not located in an established domain, motif, hotspot or informative constraint region. (I) 0705 - No comparable missense variants have previous evidence for pathogenicity. (I) 0809 - Previous evidence of pathogenicity for this variant is inconclusive. This variant has been previously reported as a VUS (ClinVar). (I) 0905 - No published segregation evidence has been identified for this variant. (I) 1007 - No published functional evidence has been identified for this variant. (I) Legend: (SP) - Supporting pathogenic, (I) - Information, (SB) - Supporting benign

Literature cited by the submitters: PubMed 28566750 (cited by Victorian Clinical Genetics Services, Murdoch Childrens Research Institute); PubMed 30142438 (cited by Victorian Clinical Genetics Services, Murdoch Childrens Research Institute); PubMed 32910250 (cited by Victorian Clinical Genetics Services, Murdoch Childrens Research Institute).